The following is an entry in ClinVar:

ClinVar aggregate classification (germline): Uncertain significance. Review status: criteria provided, multiple submitters, no conflicts (2 of 4 stars). 2 submissions from 2 submitters: Uncertain significance (2). Last evaluated 2026-04-11.

Conditions:
Joubert syndrome and related disorders. Identifiers: Orphanet 140874, MedGen C5679612, MONDO:0015369.

gnomAD v4.1: 1 of 1,614,226 alleles (0.000062%); highest among the groups gnomAD compares: African/African-American, 0.0013%; no homozygotes.

Submissions (2):

Institute of Genetic Medicine, Newcastle University
Classification: Uncertain significance for Joubert syndrome and related disorders. Last evaluated: 2026-04-11. Review status: criteria provided, single submitter. Criteria: ACMG Guidelines, 2015. Collection method: research. Allele origin: germline. Inheritance: Autosomal recessive inheritance. Affected: yes. Observed: 1 variant allele.
Comment: PM3_Moderate (in trans with pathogenic c.211dup); PM2_Supporting (gnomAD v4.1.0 popmax 0.0013%). Thioredoxin-domain missense; AlphaMissense 0.833 (likely pathogenic).

Labcorp Genetics (formerly Invitae), Labcorp
Classification: Uncertain significance. Last evaluated: 2024-07-23. Review status: criteria provided, single submitter. Criteria: Invitae Variant Classification Sherloc (09022015). Collection method: clinical testing. Allele origin: germline.
Comment: This sequence change replaces proline, which is neutral and non-polar, with serine, which is neutral and polar, at codon 228 of the TXNDC15 protein (p.Pro228Ser). This variant is not present in population databases (gnomAD no frequency). This missense change has been observed in individual(s) with clinical features of TXNDC15-related conditions (Invitae). In at least one individual the data is consistent with being in trans (on the opposite chromosome) from a pathogenic variant. An algorithm developed to predict the effect of missense changes on protein structure and function (PolyPhen-2) suggests that this variant is likely to be disruptive. In summary, the available evidence is currently insufficient to determine the role of this variant in disease. Therefore, it has been classified as a Variant of Uncertain Significance.

NM_024715.4(TXNDC15):c.682C>T (p.Pro228Ser)

Gene: TXNDC15 (thioredoxin domain containing 15; plus strand). Cytogenetic location: 5q31.1.
Variant type: single nucleotide variant.
Coding change: c.682C>T on transcript NM_024715.4 (MANE Select); coding-DNA position 682, C replaced by T.
Protein change: p.Pro228Ser; replaces proline 228 with serine.
Molecular consequence: missense variant.
Genome position (GRCh38, 1-based): chr5:134,893,582, C>T. VCF-style: chr5-134893582-C-T. GRCh37 (hg19) VCF-style: chr5-134229272-C-T.
Other names: c.478C>T, p.Pro160Ser (NM_001350735.2); short protein forms P228S, P160S.
Identifiers: ClinVar variation 3679555 (VCV003679555.3).